The following is an entry in ClinVar:

NM_004415.4(DSP):c.732G>A (p.Glu244=)

Gene: DSP (desmoplakin; plus strand). Cytogenetic location: 6p24.3.
Variant type: single nucleotide variant.
Coding change: c.732G>A on transcript NM_004415.4 (MANE Select); coding-DNA position 732, G replaced by A.
Protein change: p.Glu244=; no amino-acid change (glutamic acid 244 retained).
Molecular consequence: synonymous variant.
Genome position (GRCh38, 1-based): chr6:7,563,741, G>A. VCF-style: chr6-7563741-G-A. GRCh37 (hg19) VCF-style: chr6-7563974-G-A.
Other names: c.732G>A, p.Glu244= (NM_001008844.3, NM_001319034.2, NM_001406591.1).
Identifiers: ClinVar variation 3070970 (VCV003070970.1), dbSNP rs2113666864, ClinGen allele CA448516958.

ClinVar aggregate classification (germline): Uncertain significance (1 of 4 stars; one submission).

Conditions:
Arrhythmogenic cardiomyopathy with wooly hair and keratoderma. Also called: PALMOPLANTAR KERATODERMA WITH LEFT VENTRICULAR CARDIOMYOPATHY AND WOOLLY HAIR; Carvajal syndrome; Dilated cardiomyopathy with woolly hair and keratoderma; Arrhythmogenic cardiomyopathy with woolly hair and keratoderma. Identifiers: Orphanet 65282, MedGen C1854063, MONDO:0011581, OMIM 605676.

Submission:

All of Us Research Program, National Institutes of Health
Classification: Uncertain significance for Arrhythmogenic cardiomyopathy with wooly hair and keratoderma. Last evaluated: 2023-05-15. Review status: criteria provided, single submitter. Criteria: ACMG Guidelines, 2015. Collection method: clinical testing. Allele origin: germline. Inheritance: Autosomal dominant inheritance. Observed: 1 variant allele, 1 heterozygote.
Comment: This variant is located in the DSP protein. To our knowledge, functional studies have not been reported for this variant. This variant has not been reported in individuals affected with DSP-related disorders in the literature. This variant has not been identified in the general population by the Genome Aggregation Database (gnomAD). The available evidence is insufficient to determine the role of this variant in disease conclusively. Therefore, this variant is classified as a Variant of Uncertain Significance.

This study involves interpretation of variants in research participants for the purpose of population health screening. Participant phenotype was not available at the time of variant classification. Additional details can be found in publication PMID: 35346344, PMCID: PMC8962531